The following is an entry in ClinVar:

ClinVar aggregate classification (germline): Uncertain significance. Review status: criteria provided, multiple submitters, no conflicts (2 of 4 stars). 2 submissions from 2 submitters: Uncertain significance (2). Last evaluated 2022-12-05.

Conditions:
Inborn genetic diseases. Identifiers: MedGen C0950123, MeSH D030342.

Allele frequency attached by ClinVar (database versions not stated): ExAC 0.00001; gnomAD 0.00001.
gnomAD v4.1: 2 of 1,613,418 alleles (0.00012%); highest among the groups gnomAD compares: African/African-American, 0.0013%; no homozygotes.

Submissions (2):

Ambry Genetics
Classification: Uncertain significance for Inborn genetic diseases. Last evaluated: 2022-12-05. Review status: criteria provided, single submitter. Criteria: Ambry Variant Classification Scheme 2023. Collection method: clinical testing. Allele origin: germline.

Labcorp Genetics (formerly Invitae), Labcorp
Classification: Uncertain significance. Last evaluated: 2021-11-11. Review status: criteria provided, single submitter. Criteria: Invitae Variant Classification Sherloc (09022015). Collection method: clinical testing. Allele origin: germline.
Comment: In summary, the available evidence is currently insufficient to determine the role of this variant in disease. Therefore, it has been classified as a Variant of Uncertain Significance. Algorithms developed to predict the effect of missense changes on protein structure and function (SIFT, PolyPhen-2, Align-GVGD) all suggest that this variant is likely to be tolerated. This variant has not been reported in the literature in individuals affected with C6-related conditions. This variant is present in population databases (rs780494075, gnomAD 0.01%). This sequence change replaces valine, which is neutral and non-polar, with isoleucine, which is neutral and non-polar, at codon 103 of the C6 protein (p.Val103Ile).

NM_000065.5(C6):c.307G>A (p.Val103Ile)

Gene: C6 (complement C6; minus strand). Cytogenetic location: 5p13.1.
Variant type: single nucleotide variant.
Coding change: c.307G>A on transcript NM_000065.5 (MANE Select); coding-DNA position 307, G replaced by A.
Protein change: p.Val103Ile; replaces valine 103 with isoleucine.
Molecular consequence: missense variant.
Genome position (GRCh38, 1-based): chr5:41,199,906, C>T on the plus strand (G>A on the coding strand, the complement: C6 is on the minus strand). VCF-style: chr5-41199906-C-T. GRCh37 (hg19) VCF-style: chr5-41200008-C-T.
Other names: c.307G>A, p.Val103Ile (NM_001115131.4); c.307G>A (NM_000065.2); short protein forms V103I.
Identifiers: ClinVar variation 1467210 (VCV001467210.7), dbSNP rs780494075, ClinGen allele CA3252833.